The following is an entry in ClinVar:

ClinVar aggregate classification (germline): Conflicting classifications of pathogenicity. Review status: criteria provided, conflicting classifications (1 of 4 stars). 3 submissions from 3 submitters: Uncertain significance (1); Likely benign (1). 1 of the submissions does not count toward it. Last evaluated 2023-06-09.

Conditions:
ACE-related disorder. Also called: ACE-related condition; ACE-related disorders.
Renal tubular dysgenesis. Also called: Renotubular dysgenesis. Identifiers: Orphanet 3033, MedGen C0266313, MONDO:0017609, HP:0008660.

Allele frequency attached by ClinVar (database versions not stated): ExAC 0.00002; gnomAD 0.00003; gnomAD exomes 0.00003.

Submissions (3):

Labcorp Genetics (formerly Invitae), Labcorp
Classification: Likely benign. Last evaluated: 2023-06-09. Review status: criteria provided, single submitter. Criteria: Invitae Variant Classification Sherloc (09022015). Collection method: clinical testing. Allele origin: germline.

Illumina Laboratory Services, Illumina
Classification: Uncertain significance for Renal tubular dysgenesis of genetic origin. Last evaluated: 2018-01-13. Review status: criteria provided, single submitter. Criteria: ICSL Variant Classification Criteria 13 December 2019. Collection method: clinical testing. Allele origin: germline.

PreventionGenetics, part of Exact Sciences
Classification: Likely benign for ACE-related condition. Last evaluated: 2019-05-01. Review status: no assertion criteria provided. Collection method: clinical testing. Allele origin: germline. Not counted in ClinVar's aggregate classification.
Comment: This variant is classified as likely benign based on ACMG/AMP sequence variant interpretation guidelines (Richards et al. 2015 PMID: 25741868, with internal and published modifications).

NM_000789.4(ACE):c.507C>T (p.Asp169=)

Gene: ACE (angiotensin I converting enzyme; plus strand). Cytogenetic location: 17q23.3.
Variant type: single nucleotide variant.
Coding change: c.507C>T on transcript NM_000789.4 (MANE Select); coding-DNA position 507, C replaced by T.
Protein change: p.Asp169=; no amino-acid change (aspartic acid 169 retained).
Molecular consequence: synonymous variant.
Genome position (GRCh38, 1-based): chr17:63,479,096, C>T. VCF-style: chr17-63479096-C-T. GRCh37 (hg19) VCF-style: chr17-61556457-C-T.
Identifiers: ClinVar variation 888750 (VCV000888750.9), dbSNP rs763352401, ClinGen allele CA8699092.